The following is an entry in ClinVar:

ClinVar aggregate classification (germline): Uncertain significance. Review status: criteria provided, multiple submitters, no conflicts (2 of 4 stars). 2 submissions from 2 submitters: Uncertain significance (2). Last evaluated 2023-12-23.

Conditions:
Arrhythmogenic cardiomyopathy with wooly hair and keratoderma. Also called: PALMOPLANTAR KERATODERMA WITH LEFT VENTRICULAR CARDIOMYOPATHY AND WOOLLY HAIR; Arrhythmogenic cardiomyopathy with woolly hair and keratoderma; Dilated cardiomyopathy with woolly hair and keratoderma; Carvajal syndrome. Identifiers: Orphanet 65282, MedGen C1854063, MONDO:0011581, OMIM 605676.
Arrhythmogenic right ventricular dysplasia 8 (ARVD8). Also called: Arrhythmogenic Right Ventricular Dysplasia/Cardiomyopathy 8; ARRHYTHMOGENIC RIGHT VENTRICULAR DYSPLASIA, FAMILIAL, 8; ARRHYTHMOGENIC RIGHT VENTRICULAR CARDIOMYOPATHY 8. Identifiers: MedGen C1843896, MONDO:0011831, OMIM 607450.

Submissions (2):

Labcorp Genetics (formerly Invitae), Labcorp
Classification: Uncertain significance for Arrhythmogenic cardiomyopathy with wooly hair and keratoderma; Arrhythmogenic right ventricular dysplasia 8. Last evaluated: 2023-12-23. Review status: criteria provided, single submitter. Criteria: Invitae Variant Classification Sherloc (09022015). Collection method: clinical testing. Allele origin: germline.
Comment: This sequence change replaces glycine, which is neutral and non-polar, with cysteine, which is neutral and slightly polar, at codon 684 of the DSP protein (p.Gly684Cys). This variant is not present in population databases (gnomAD no frequency). This variant has not been reported in the literature in individuals affected with DSP-related conditions. ClinVar contains an entry for this variant (Variation ID: 917565). An algorithm developed to predict the effect of missense changes on protein structure and function (PolyPhen-2) suggests that this variant is likely to be tolerated. In summary, the available evidence is currently insufficient to determine the role of this variant in disease. Therefore, it has been classified as a Variant of Uncertain Significance.

Women's Health and Genetics/Laboratory Corporation of America, LabCorp
Classification: Uncertain significance. Last evaluated: 2020-01-20. Review status: criteria provided, single submitter. Criteria: LabCorp Variant Classification Summary - May 2015. Collection method: clinical testing. Allele origin: germline.
Comment: Variant summary: DSP c.2050G>T (p.Gly684Cys) results in a non-conservative amino acid change in the encoded protein sequence. Four of five in-silico tools predict a benign effect of the variant on protein function. The variant was absent in 251164 control chromosomes (gnomAD). The available data on variant occurrences in the general population are insufficient to allow any conclusion about variant significance. To our knowledge, no occurrence of c.2050G>T in individuals affected with Cardiomyopathy and no experimental evidence demonstrating an impact on protein function have been reported. No clinical diagnostic laboratories have submitted clinical-significance assessments for this variant to ClinVar after 2014. Based on the evidence outlined above, the variant was classified as uncertain significance.

NM_004415.4(DSP):c.2050G>T (p.Gly684Cys)

Gene: DSP (desmoplakin; plus strand). Cytogenetic location: 6p24.3.
Variant type: single nucleotide variant.
Coding change: c.2050G>T on transcript NM_004415.4 (MANE Select); coding-DNA position 2050, G replaced by T.
Protein change: p.Gly684Cys; replaces glycine 684 with cysteine.
Molecular consequence: missense variant.
Genome position (GRCh38, 1-based): chr6:7,571,988, G>T. VCF-style: chr6-7571988-G-T. GRCh37 (hg19) VCF-style: chr6-7572221-G-T.
Other names: c.2050G>T, p.Gly684Cys (NM_001008844.3, NM_001319034.2); short protein forms G684C.
Identifiers: ClinVar variation 917565 (VCV000917565.4), dbSNP rs1759071281, ClinGen allele CA362680443.